The following is an entry in ClinVar:

ClinVar aggregate classification (germline): Uncertain significance. Review status: criteria provided, multiple submitters, no conflicts (2 of 4 stars). 2 submissions from 2 submitters: Uncertain significance (2). Last evaluated 2024-12-07.

Conditions:
Familial temporal lobe epilepsy 7. Identifiers: Orphanet 101046, MedGen C4225327, MONDO:0014639, OMIM 616436.
Norman-Roberts syndrome (LIS2). Also called: Lissencephaly 2 (Norman-Roberts type). Identifiers: Orphanet 89844, MedGen C0796089, MONDO:0009760, OMIM 257320.
Inborn genetic diseases. Identifiers: MedGen C0950123, MeSH D030342.

Allele frequency attached by ClinVar (database versions not stated): gnomAD 0.00002.
gnomAD v4.1: 10 of 1,613,690 alleles (0.00062%); highest among the groups gnomAD compares: African/African-American, 0.0027%; no homozygotes.

Submissions (2):

Ambry Genetics
Classification: Uncertain significance for Inborn genetic diseases. Last evaluated: 2024-12-07. Review status: criteria provided, single submitter. Criteria: Ambry Variant Classification Scheme 2023. Collection method: clinical testing. Allele origin: germline.

Labcorp Genetics (formerly Invitae), Labcorp
Classification: Uncertain significance for Familial temporal lobe epilepsy 7; Norman-Roberts syndrome. Last evaluated: 2024-07-16. Review status: criteria provided, single submitter. Criteria: Invitae Variant Classification Sherloc (09022015). Collection method: clinical testing. Allele origin: germline.
Comment: This sequence change replaces isoleucine, which is neutral and non-polar, with methionine, which is neutral and non-polar, at codon 310 of the RELN protein (p.Ile310Met). This variant is present in population databases (no rsID available, gnomAD 0.003%). This variant has not been reported in the literature in individuals affected with RELN-related conditions. ClinVar contains an entry for this variant (Variation ID: 2080967). Advanced modeling of protein sequence and biophysical properties (such as structural, functional, and spatial information, amino acid conservation, physicochemical variation, residue mobility, and thermodynamic stability) performed at Invitae indicates that this missense variant is not expected to disrupt RELN protein function with a negative predictive value of 80%. In summary, the available evidence is currently insufficient to determine the role of this variant in disease. Therefore, it has been classified as a Variant of Uncertain Significance.

NM_005045.4(RELN):c.930C>G (p.Ile310Met)

Gene: RELN (reelin; minus strand). Cytogenetic location: 7q22.1.
Variant type: single nucleotide variant.
Coding change: c.930C>G on transcript NM_005045.4 (MANE Select); coding-DNA position 930, C replaced by G.
Protein change: p.Ile310Met; replaces isoleucine 310 with methionine.
Molecular consequence: missense variant.
Genome position (GRCh38, 1-based): chr7:103,698,066, G>C on the plus strand (C>G on the coding strand, the complement: RELN is on the minus strand). VCF-style: chr7-103698066-G-C. GRCh37 (hg19) VCF-style: chr7-103338513-G-C.
Other names: c.930C>G (NM_005045.3); c.930C>G, p.Ile310Met (NM_173054.3); short protein forms I310M.
Identifiers: ClinVar variation 2080967 (VCV002080967.5), dbSNP rs751695466, ClinGen allele CA368927864.